The following is an entry in ClinVar:

NM_001148.6(ANK2):c.1615C>T (p.Arg539Trp)

Gene: ANK2 (ankyrin 2; plus strand). Cytogenetic location: 4q26.
Variant type: single nucleotide variant.
Coding change: c.1615C>T on transcript NM_001148.6 (MANE Select); coding-DNA position 1615, C replaced by T.
Protein change: p.Arg539Trp; replaces arginine 539 with tryptophan.
Molecular consequence: missense variant.
Genome position (GRCh38, 1-based): chr4:113,274,581, C>T. VCF-style: chr4-113274581-C-T. GRCh37 (hg19) VCF-style: chr4-114195737-C-T.
Other names: p.R539W:CGG>TGG; c.1552C>T, p.Arg518Trp (NM_001127493.3, NM_001354239.2, NM_001354243.2 and 14 more transcripts); c.1615C>T, p.Arg539Trp (NM_001354225.2, NM_001354228.2, NM_001354232.2 and 8 more transcripts); c.1660C>T, p.Arg554Trp (NM_001354230.2, NM_001354231.2, NM_001354237.2 and 5 more transcripts); c.1528C>T, p.Arg510Trp (NM_001354249.2, NM_001354271.2, NM_001354274.2 and 13 more transcripts); c.1405C>T, p.Arg469Trp (NM_001354269.3); c.1417C>T, p.Arg473Trp (NM_001354273.2); c.1330C>T, p.Arg444Trp (NM_001386157.1, NM_001386158.1, NM_001354277.2); and 5 more; short protein forms R518W, R539W, R554W, R444W, R469W, R473W, R510W, R525W.
Identifiers: ClinVar variation 190549 (VCV000190549.11), dbSNP rs756495481, ClinGen allele CA300805.

ClinVar aggregate classification (germline): Uncertain significance. Review status: criteria provided, multiple submitters, no conflicts (2 of 4 stars). 3 submissions from 3 submitters: Uncertain significance (3). Last evaluated 2020-01-21.

Conditions:
Long QT syndrome (LQTS). Identifiers: MedGen C0023976, MeSH D008133, MONDO:0002442. Disease mechanism: loss of function. Inheritance: Various modes of inheritance.
Cardiovascular phenotype. Identifiers: MedGen CN230736.

Allele frequency attached by ClinVar (database versions not stated): gnomAD exomes 0.00002 and 0.00004; ExAC 0.00002; gnomAD 0.00001; TOPMed 0.00002.
gnomAD v4.1: 28 of 1,614,030 alleles (0.0017%); highest among the groups gnomAD compares: South Asian, 0.0033%; no homozygotes.

Submissions (3):

Labcorp Genetics (formerly Invitae), Labcorp
Classification: Uncertain significance for Long QT syndrome. Last evaluated: 2020-01-21. Review status: criteria provided, single submitter. Criteria: Invitae Variant Classification Sherloc (09022015). Collection method: clinical testing. Allele origin: germline.
Comment: In summary, the available evidence is currently insufficient to determine the role of this variant in disease. Therefore, it has been classified as a Variant of Uncertain Significance. Algorithms developed to predict the effect of missense changes on protein structure and function are either unavailable or do not agree on the potential impact of this missense change (SIFT: "Deleterious"; PolyPhen-2: "Probably Damaging"; Align-GVGD: "Class C0"). This variant has not been reported in the literature in individuals with ANK2-related conditions. ClinVar contains an entry for this variant (Variation ID: 190549). This variant is present in population databases (rs756495481, ExAC 0.003%). This sequence change replaces arginine with tryptophan at codon 539 of the ANK2 protein (p.Arg539Trp). The arginine residue is moderately conserved and there is a moderate physicochemical difference between arginine and tryptophan.

GeneDx
Classification: Uncertain significance. Last evaluated: 2018-08-31. Review status: criteria provided, single submitter. Criteria: GeneDx Variant Classification (06012015). Collection method: clinical testing. Allele origin: germline. Affected: yes.
Comment: A variant of uncertain significance has been identified in the ANK2 gene. The R539W variant has not been published as pathogenic or been reported as benign to our knowledge. This variant is observed in 8/126,322 (0.01%) alleles from individuals of European (non-Finnish) ancestry in large population cohorts (Lek et al., 2016). Nevertheless, the R539W variant is a non-conservative amino acid substitution, which is likely to impact secondary protein structure as these residues differ in polarity, charge, size and/or other properties. Additionally, in-silico analyses, including protein predictors and evolutionary conservation, support a deleterious effect.

Ambry Genetics
Classification: Uncertain significance for Cardiovascular phenotype. Last evaluated: 2016-08-22. Review status: criteria provided, single submitter. Criteria: Ambry Variant Classification Scheme 2023. Collection method: clinical testing. Allele origin: germline.
Comment: The p.R539W variant (also known as c.1615C>T), located in coding exon 15 of the ANK2 gene, results from a C to T substitution at nucleotide position 1615. The arginine at codon 539 is replaced by tryptophan, an amino acid with dissimilar properties. Based on data from ExAC, the T allele has an overall frequency of less than 0.01% (2/106146). This amino acid position is highly conserved in available vertebrate species. In addition, this alteration is predicted to be deleterious by in silico analysis. Since supporting evidence is limited at this time, the clinical significance of this alteration remains unclear.